The following is an entry in ClinVar:

ClinVar aggregate classification (germline): Uncertain significance (1 of 4 stars; one submission).

gnomAD v4.1: 1 of 1,603,330 alleles (0.000062%); highest among the groups gnomAD compares: South Asian, 0.0011%; no homozygotes.

Submission:

Labcorp Genetics (formerly Invitae), Labcorp
Classification: Uncertain significance. Last evaluated: 2024-01-29. Review status: criteria provided, single submitter. Criteria: Invitae Variant Classification Sherloc (09022015). Collection method: clinical testing. Allele origin: germline.
Comment: This sequence change replaces arginine, which is basic and polar, with glycine, which is neutral and non-polar, at codon 354 of the LMF1 protein (p.Arg354Gly). This variant is not present in population databases (gnomAD no frequency). This variant has not been reported in the literature in individuals affected with LMF1-related conditions. Algorithms developed to predict the effect of missense changes on protein structure and function output the following: SIFT: "Not Available"; PolyPhen-2: "Benign"; Align-GVGD: "Not Available". The glycine amino acid residue is found in multiple mammalian species, which suggests that this missense change does not adversely affect protein function. In summary, the available evidence is currently insufficient to determine the role of this variant in disease. Therefore, it has been classified as a Variant of Uncertain Significance.

NM_022773.4(LMF1):c.1060C>G (p.Arg354Gly)

Gene: LMF1 (lipase maturation factor 1; minus strand). Cytogenetic location: 16p13.3.
Variant type: single nucleotide variant.
Coding change: c.1060C>G on transcript NM_022773.4 (MANE Select); coding-DNA position 1060, C replaced by G.
Protein change: p.Arg354Gly; replaces arginine 354 with glycine.
Molecular consequence: missense variant. On other transcripts: non-coding transcript variant (1).
Genome position (GRCh38, 1-based): chr16:871,179, G>C on the plus strand (C>G on the coding strand, the complement: LMF1 is on the minus strand). VCF-style: chr16-871179-G-C. GRCh37 (hg19) VCF-style: chr16-921179-G-C.
Other names: c.409C>G, p.Arg137Gly (NM_001352017.2, NM_001352021.2); c.661C>G, p.Arg221Gly (NM_001352018.2); c.733C>G, p.Arg245Gly (NM_001352019.2); c.1060C>G, p.Arg354Gly (NM_001352020.1); short protein forms R245G, R137G, R221G, R354G.
Identifiers: ClinVar variation 2714014 (VCV002714014.3), dbSNP rs143076454, ClinGen allele CA394127074.